The following is an entry in ClinVar:

NM_000799.4(EPO):c.261C>T (p.Ala87=)

Gene: EPO (erythropoietin; plus strand). Cytogenetic location: 7q22.1.
Variant type: single nucleotide variant.
Coding change: c.261C>T on transcript NM_000799.4 (MANE Select); coding-DNA position 261, C replaced by T.
Protein change: p.Ala87=; no amino-acid change (alanine 87 retained).
Molecular consequence: synonymous variant.
Genome position (GRCh38, 1-based): chr7:100,722,678, C>T. VCF-style: chr7-100722678-C-T. GRCh37 (hg19) VCF-style: chr7-100320301-C-T.
Identifiers: ClinVar variation 733903 (VCV000733903.20), dbSNP rs140683829, ClinGen allele CA4389509.
Genomic context (GRCh38, chr7:100,722,678, plus strand): 5'-AGAGGGTGACATGGGTCAGCTGACTCCCAGAGTCCACTCCCTGTAGGTCGGGCAGCAGGC[C>T]GTAGAAGTCTGGCAGGGCCTGGCCCTGCTGTCGGAAGCTGTCCTGCGGGGCCAGGCCCTG-3'
Protein context (NP_000790.2, residues 77-97): AWKRMEVGQQ[Ala87=]VEVWQGLALL

ClinVar aggregate classification (germline): Likely benign. Review status: criteria provided, multiple submitters, no conflicts (2 of 4 stars). 5 submissions from 5 submitters: Likely benign (5). Last evaluated 2025-08-18.

Conditions:
EPO-related disorder. Also called: EPO-related condition.

Allele frequency attached by ClinVar (database versions not stated): ESP Exome Variant Server 0.00031; ExAC 0.00032; gnomAD 0.00068 and 0.00073; TOPMed 0.00080; 1000 Genomes Project 30x 0.00094; 1000 Genomes Project 0.00100.
gnomAD v4.1: 286 of 1,597,988 alleles (0.018%); highest among the groups gnomAD compares: African/African-American, 0.2%; 1 homozygote.

Submissions (5):

PreventionGenetics, part of Exact Sciences
Classification: Likely benign for EPO-related condition. Last evaluated: 2025-08-18. Review status: criteria provided, single submitter. Criteria: ACMG Guidelines, 2015. Collection method: clinical testing. Allele origin: germline.
Comment: This variant is classified as likely benign based on ACMG/AMP sequence variant interpretation guidelines (Richards et al. 2015 PMID: 25741868, with internal and published modifications).

CeGaT Center for Human Genetics Tuebingen
Classification: Likely benign. Last evaluated: 2024-12-01. Review status: criteria provided, single submitter. Criteria: CeGaT Center For Human Genetics Tuebingen Variant Classification Criteria Version 2. Collection method: clinical testing. Allele origin: germline. Affected: yes. Observed: 1 variant allele.
Comment: EPO: BP4, BP7

Blueprint Genetics
Classification: Likely benign. Last evaluated: 2024-11-27. Review status: criteria provided, single submitter. Criteria: ACMG Guidelines, 2015. Collection method: clinical testing. Allele origin: germline.

Labcorp Genetics (formerly Invitae), Labcorp
Classification: Likely benign. Last evaluated: 2019-12-31. Review status: criteria provided, single submitter. Criteria: Invitae Variant Classification Sherloc (09022015). Collection method: clinical testing. Allele origin: germline.

Breakthrough Genomics
Classification: Likely benign. Review status: criteria provided, single submitter. Criteria: ACMG Guidelines, 2015. Collection method: not provided. Allele origin: germline. Inheritance: Autosomal recessive inheritance. Affected: yes.